The following is an entry in ClinVar:

ClinVar aggregate classification (germline): Likely benign. Review status: criteria provided, multiple submitters, no conflicts (2 of 4 stars). 2 submissions from 2 submitters: Likely benign (2). Last evaluated 2025-08-06.

Conditions:
Tuberous sclerosis 2 (TSC2). Identifiers: Orphanet 805, MedGen C1860707, MONDO:0013199, OMIM 613254.

Submissions (2):

Labcorp Genetics (formerly Invitae), Labcorp
Classification: Likely benign for Tuberous sclerosis 2. Last evaluated: 2025-08-06. Review status: criteria provided, single submitter. Criteria: Invitae Variant Classification Sherloc (09022015). Collection method: clinical testing. Allele origin: germline.

Myriad Genetics, Inc.
Classification: Likely benign for Tuberous sclerosis 2. Last evaluated: 2025-06-05. Review status: criteria provided, single submitter. Criteria: Myriad Autosomal Dominant, Autosomal Recessive and X-Linked Classification Criteria (2023). Collection method: clinical testing. Allele origin: unknown.
Comment: This variant is considered likely benign. This variant is intronic and is not expected to impact mRNA splicing.

NM_000548.5(TSC2):c.4989+8_4989+9del

Gene: TSC2 (TSC complex subunit 2; plus strand). Cytogenetic location: 16p13.3.
Variant type: Deletion.
Coding change: c.4989+8_4989+9del on transcript NM_000548.5 (MANE Select); bases 8 to 9 of the intron after coding-DNA position 4989, 2 bases deleted (AG; older notation c.4989+8_4989+9delAG).
Molecular consequence: intron variant.
Genome position (GRCh38, 1-based): chr16:2,086,879-2,086,880, AG deleted; deleting any 2 consecutive bases within chr16:2,086,878-2,086,880 gives the same sequence; the c. name uses the placement nearest the transcript's 3' end. VCF-style (leftmost placement, unchanged base first): chr16-2086877-TGA-T. GRCh37 (hg19) VCF-style: chr16-2136878-TGA-T.
Other names: c.4920+8_4920+9del (NM_001114382.3); c.4860+8_4860+9del (NM_021055.3, NM_001370405.1); c.4791+8_4791+9del (NM_001363528.2); c.4857+8_4857+9del (NM_001370404.1); c.4788+8_4788+9del (NM_001077183.3); c.4680+8_4680+9del (NM_001318827.2); c.4257+8_4257+9del (NM_001318831.2); c.4644+8_4644+9del (NM_001318829.2); and 2 more.
Identifiers: ClinVar variation 794621 (VCV000794621.11), dbSNP rs1567125027, ClinGen allele CA620706065.
Genomic context (GRCh38, chr16:2,086,877, plus strand): 5'-TGTGTCCATTGTCTACAATGACTCCGGTGAGGACTTCAAGCTTGGCACCATCAAGGTGAG[TGA>T]GGGGCCGTCAGTGAGGCTGGGCCCCAGGCAGGTGCCCACTGCTGTGTCCCGGGTTGGTGG-3'